The following is an entry in ClinVar:

NM_001195305.3(BBIP1):c.38-6070G>T

Gene: BBIP1 (BBSome interacting protein 1; minus strand). Cytogenetic location: 10q25.2.
Variant type: single nucleotide variant.
Coding change: c.38-6070G>T on transcript NM_001195305.3 (MANE Select); 6070 bases into the intron before coding-DNA position 38, G replaced by T.
Molecular consequence: intron variant. On other transcripts: synonymous variant (1).
Genome position (GRCh38, 1-based): chr10:110,907,682, C>A on the plus strand (G>T on the coding strand, the complement: BBIP1 is on the minus strand). VCF-style: chr10-110907682-C-A. GRCh37 (hg19) VCF-style: chr10-112667440-C-A.
Other names: c.192G>T, p.Ala64= (NM_001195304.2); c.38-6070G>T (NM_001195306.2); c.-29-6070G>T (NM_001243783.3); c.38-7156G>T (NM_001195307.2).
Identifiers: ClinVar variation 3354661 (VCV003354661.1).

ClinVar aggregate classification (germline): Likely benign (0 of 4 stars; one submission).

Conditions:
BBIP1-related disorder. Also called: BBIP1-related condition.

gnomAD v4.1: 33 of 681,312 alleles (0.0048%); highest among the groups gnomAD compares: African/African-American, 0.011%; no homozygotes.

Submission:

PreventionGenetics, part of Exact Sciences
Classification: Likely benign for BBIP1-related condition. Last evaluated: 2024-04-09. Review status: no assertion criteria provided. Collection method: clinical testing. Allele origin: germline.
Comment: This variant is classified as likely benign based on ACMG/AMP sequence variant interpretation guidelines (Richards et al. 2015 PMID: 25741868, with internal and published modifications).